The following is an entry in ClinVar:

NM_207361.6(FREM2):c.6695T>C (p.Val2232Ala)

Gene: FREM2 (FRAS1 related extracellular matrix 2; plus strand). Cytogenetic location: 13q13.3.
Variant type: single nucleotide variant.
Coding change: c.6695T>C on transcript NM_207361.6 (MANE Select); coding-DNA position 6695, T replaced by C.
Protein change: p.Val2232Ala; replaces valine 2232 with alanine.
Molecular consequence: missense variant.
Genome position (GRCh38, 1-based): chr13:38,851,061, T>C. VCF-style: chr13-38851061-T-C. GRCh37 (hg19) VCF-style: chr13-39425198-T-C.
Other names: short protein forms V2232A.
Identifiers: ClinVar variation 4741801 (VCV004741801.1).

ClinVar aggregate classification (germline): Uncertain significance (1 of 4 stars; one submission).

Submission:

Labcorp Genetics (formerly Invitae), Labcorp
Classification: Uncertain significance. Last evaluated: 2026-01-28. Review status: criteria provided, single submitter. Criteria: Invitae Variant Classification Sherloc (09022015). Collection method: clinical testing. Allele origin: germline.
Comment: This sequence change replaces valine, which is neutral and non-polar, with alanine, which is neutral and non-polar, at codon 2232 of the FREM2 protein (p.Val2232Ala). This variant is not present in population databases (gnomAD no frequency). This variant has not been reported in the literature in individuals affected with FREM2-related conditions. Invitae Evidence Modeling of protein sequence and biophysical properties (such as structural, functional, and spatial information, amino acid conservation, physicochemical variation, residue mobility, and thermodynamic stability) indicates that this missense variant is not expected to disrupt FREM2 protein function with a negative predictive value of 80%. In summary, the available evidence is currently insufficient to determine the role of this variant in disease. Therefore, it has been classified as a Variant of Uncertain Significance.